The following is an entry in ClinVar:

NM_007327.4(GRIN1):c.1081C>T (p.Leu361=)

Gene: GRIN1 (glutamate ionotropic receptor NMDA type subunit 1; plus strand). Cytogenetic location: 9q34.3.
Variant type: single nucleotide variant.
Coding change: c.1081C>T on transcript NM_007327.4 (MANE Select); coding-DNA position 1081, C replaced by T.
Protein change: p.Leu361=; no amino-acid change (leucine 361 retained).
Molecular consequence: synonymous variant.
Genome position (GRCh38, 1-based): chr9:137,158,491, C>T. VCF-style: chr9-137158491-C-T. GRCh37 (hg19) VCF-style: chr9-140052943-C-T.
Other names: c.1081C>T, p.Leu361= (NM_000832.7, NM_021569.4); c.1144C>T, p.Leu382= (NM_001185090.2, NM_001185091.2); c.1081C>T (NM_007327.3).
Identifiers: ClinVar variation 2787846 (VCV002787846.3), dbSNP rs2538608708, ClinGen allele CA467790053.

ClinVar aggregate classification (germline): Uncertain significance. Review status: criteria provided, multiple submitters, no conflicts (2 of 4 stars). 2 submissions from 2 submitters: Uncertain significance (2). Last evaluated 2025-08-13.

Conditions:
Neurodevelopmental disorder with or without hyperkinetic movements and seizures, autosomal dominant. Also called: Intellectual disability, autosomal dominant 8. Identifiers: MedGen C3280282, MONDO:0013655, OMIM 614254.

Submissions (2):

GeneDx
Classification: Uncertain significance. Last evaluated: 2025-08-13. Review status: criteria provided, single submitter. Criteria: GeneDx Variant Classification Process June 2021. Collection method: clinical testing. Allele origin: germline. Affected: yes.
Comment: Not observed at significant frequency in large population cohorts (gnomAD); Has not been previously published as pathogenic or benign to our knowledge; In silico analysis suggests this variant may impact gene splicing. In the absence of RNA/functional studies, the actual effect of this sequence change is unknown.

Labcorp Genetics (formerly Invitae), Labcorp
Classification: Uncertain significance for Neurodevelopmental disorder with or without hyperkinetic movements and seizures, autosomal dominant. Last evaluated: 2023-10-05. Review status: criteria provided, single submitter. Criteria: Invitae Variant Classification Sherloc (09022015). Collection method: clinical testing. Allele origin: germline.
Comment: This sequence change affects codon 361 of the GRIN1 mRNA. It is a 'silent' change, meaning that it does not change the encoded amino acid sequence of the GRIN1 protein. This variant is not present in population databases (gnomAD no frequency). This variant has not been reported in the literature in individuals affected with GRIN1-related conditions. Algorithms developed to predict the effect of sequence changes on RNA splicing suggest that this variant may create or strengthen a splice site. In summary, the available evidence is currently insufficient to determine the role of this variant in disease. Therefore, it has been classified as a Variant of Uncertain Significance.